The following is an entry in ClinVar:

ClinVar aggregate classification (germline): Uncertain significance (1 of 4 stars; one submission).

Conditions:
Hereditary cancer-predisposing syndrome. Also called: Neoplastic Syndromes, Hereditary; Tumor predisposition; Hereditary Cancer Syndrome; Hereditary neoplastic syndrome. Identifiers: Orphanet 140162, MedGen C0027672, MeSH D009386, MONDO:0015356.

Submission:

Ambry Genetics
Classification: Uncertain significance for Hereditary cancer-predisposing syndrome. Last evaluated: 2026-01-03. Review status: criteria provided, single submitter. Criteria: Ambry Variant Classification Scheme 2023. Collection method: clinical testing. Allele origin: germline.
Comment: The p.P102A variant (also known as c.304C>G), located in coding exon 3 of the NF2 gene, results from a C to G substitution at nucleotide position 304. The proline at codon 102 is replaced by alanine, an amino acid with highly similar properties. This amino acid position is conserved. In addition, this alteration is predicted to be deleterious by in silico analysis. Based on the available evidence, the clinical significance of this variant remains unclear.

NM_000268.4(NF2):c.304C>G (p.Pro102Ala)

Gene: NF2 (NF2, moesin-ezrin-radixin like (MERLIN) tumor suppressor; plus strand). Cytogenetic location: 22q12.2.
Variant type: single nucleotide variant.
Coding change: c.304C>G on transcript NM_000268.4 (MANE Select); coding-DNA position 304, C replaced by G.
Protein change: p.Pro102Ala; replaces proline 102 with alanine.
Molecular consequence: missense variant. On other transcripts: intron variant (8), 5 prime UTR variant (1).
Genome position (GRCh38, 1-based): chr22:29,639,153, C>G. VCF-style: chr22-29639153-C-G. GRCh37 (hg19) VCF-style: chr22-30035142-C-G.
Other names: c.190C>G, p.Pro64Ala (NM_001407053.1, NM_001407056.1); c.178C>G, p.Pro60Ala (NM_001407055.1, NM_181828.3); c.304C>G, p.Pro102Ala (NM_001407057.1, NM_001407059.1, NM_001407060.1 and 5 more transcripts); c.240+2277C>G (NM_001407062.1, NM_001407058.1, NM_181829.3 and 1 more transcripts); c.115-3049C>G (NM_001407063.1, NM_181830.3, NM_001407064.1 and 1 more transcripts); c.-337C>G (NM_001407065.1); c.73C>G, p.Pro25Ala (NM_001407067.1); short protein forms P64A, P60A, P102A, P25A.
Identifiers: ClinVar variation 4843851 (VCV004843851.1).